The following is an entry in ClinVar:

NM_003738.5(PTCH2):c.749G>A (p.Arg250Gln)

Gene: PTCH2 (patched 2; minus strand). Cytogenetic location: 1p34.1.
Variant type: single nucleotide variant.
Coding change: c.749G>A on transcript NM_003738.5 (MANE Select); coding-DNA position 749, G replaced by A.
Protein change: p.Arg250Gln; replaces arginine 250 with glutamine.
Molecular consequence: missense variant.
Genome position (GRCh38, 1-based): chr1:44,830,912, C>T on the plus strand (G>A on the coding strand, the complement: PTCH2 is on the minus strand). VCF-style: chr1-44830912-C-T. GRCh37 (hg19) VCF-style: chr1-45296584-C-T.
Other names: c.749G>A (NM_003738.4); c.749G>A, p.Arg250Gln (NM_001166292.2); short protein forms R250Q.
Identifiers: ClinVar variation 2156900 (VCV002156900.8), dbSNP rs771080740, ClinGen allele CA823538.

ClinVar aggregate classification (germline): Uncertain significance. Review status: criteria provided, multiple submitters, no conflicts (2 of 4 stars). 3 submissions from 3 submitters: Uncertain significance (3). Last evaluated 2025-12-15.

Conditions:
Gorlin syndrome. Also called: Nevoid Basal Cell Carcinoma Syndrome; Basal cell nevus syndrome. Identifiers: Orphanet 377, MedGen C0004779, MONDO:0007187.
PTCH2-related disorder. Also called: PTCH2-related condition; PTCH2-related disease.

Allele frequency attached by ClinVar (database versions not stated): TOPMed below 0.00001; gnomAD 0.00002; ExAC 0.00006.
gnomAD v4.1: 43 of 1,585,864 alleles (0.0027%); highest among the groups gnomAD compares: East Asian, 0.0068%; no homozygotes.

Submissions (3):

Ambry Genetics
Classification: Uncertain significance. Last evaluated: 2025-12-15. Review status: criteria provided, single submitter. Criteria: Ambry Variant Classification Scheme 2023. Collection method: clinical testing. Allele origin: germline.

Labcorp Genetics (formerly Invitae), Labcorp
Classification: Uncertain significance for Gorlin syndrome. Last evaluated: 2024-06-29. Review status: criteria provided, single submitter. Criteria: Invitae Variant Classification Sherloc (09022015). Collection method: clinical testing. Allele origin: germline.
Comment: This sequence change replaces arginine, which is basic and polar, with glutamine, which is neutral and polar, at codon 250 of the PTCH2 protein (p.Arg250Gln). This variant is present in population databases (rs771080740, gnomAD 0.02%). This variant has not been reported in the literature in individuals affected with PTCH2-related conditions. ClinVar contains an entry for this variant (Variation ID: 2156900). Advanced modeling of protein sequence and biophysical properties (such as structural, functional, and spatial information, amino acid conservation, physicochemical variation, residue mobility, and thermodynamic stability) performed at Invitae indicates that this missense variant is not expected to disrupt PTCH2 protein function with a negative predictive value of 80%. In summary, the available evidence is currently insufficient to determine the role of this variant in disease. Therefore, it has been classified as a Variant of Uncertain Significance.

PreventionGenetics, part of Exact Sciences
Classification: Uncertain significance for PTCH2-related condition. Last evaluated: 2023-04-07. Review status: criteria provided, single submitter. Criteria: ACMG Guidelines, 2015. Collection method: clinical testing. Allele origin: germline.
Comment: The PTCH2 c.749G>A variant is predicted to result in the amino acid substitution p.Arg250Gln. To our knowledge, this variant has not been reported in the literature. This variant is reported in 0.015% of alleles in individuals of East Asian descent in gnomAD. At this time, the clinical significance of this variant is uncertain due to the absence of conclusive functional and genetic evidence.